The following is an entry in ClinVar:

ClinVar aggregate classification (germline): Uncertain significance (1 of 4 stars; one submission).

Allele frequency attached by ClinVar (database versions not stated): gnomAD 0.00001.
gnomAD v4.1: 1 of 1,613,634 alleles (0.000062%); highest among the groups gnomAD compares: African/African-American, 0.0013%; no homozygotes.

Submission:

Ambry Genetics
Classification: Uncertain significance. Last evaluated: 2023-01-31. Review status: criteria provided, single submitter. Criteria: Ambry Variant Classification Scheme 2023. Collection method: clinical testing. Allele origin: germline.
Comment: The p.S1341A variant (also known as c.4021T>G), located in coding exon 4 of the ALPK2 gene, results from a T to G substitution at nucleotide position 4021. The serine at codon 1341 is replaced by alanine, an amino acid with similar properties. This amino acid position is conserved. In addition, this alteration is predicted to be tolerated by in silico analysis. Since supporting evidence is limited at this time, the clinical significance of this alteration remains unclear.

NM_052947.4(ALPK2):c.4021T>G (p.Ser1341Ala)

Genes: ALPK2 (alpha kinase 2; minus strand), LOC126862764 (BRD4-independent group 4 enhancer GRCh37_chr18:56202574-56203773; plus strand). Cytogenetic location: 18q21.31.
Variant type: single nucleotide variant.
Coding change: c.4021T>G on transcript NM_052947.4 (MANE Select); coding-DNA position 4021, T replaced by G.
Protein change: p.Ser1341Ala; replaces serine 1341 with alanine.
Molecular consequence: missense variant.
Genome position (GRCh38, 1-based): chr18:58,536,166, A>C on the plus strand (T>G on the coding strand, the complement: ALPK2 is on the minus strand). VCF-style: chr18-58536166-A-C. GRCh37 (hg19) VCF-style: chr18-56203398-A-C.
Other names: short protein forms S1341A.
Identifiers: ClinVar variation 2497281 (VCV002497281.2), dbSNP rs1467053683, ClinGen allele CA402564726.